The following is an entry in ClinVar:

ClinVar aggregate classification (germline): Likely benign. Review status: criteria provided, multiple submitters, no conflicts (2 of 4 stars). 3 submissions from 3 submitters: Likely benign (2). 1 of the submissions does not count toward it. Last evaluated 2025-12-26.

Conditions:
CACNA1E-related disorder. Also called: CACNA1E-related condition.
Inborn genetic diseases. Identifiers: MedGen C0950123, MeSH D030342.

Allele frequency attached by ClinVar (database versions not stated): ExAC 0.00008; gnomAD exomes 0.00008 and 0.00016; gnomAD 0.00022; TOPMed 0.00029; ESP Exome Variant Server 0.00031; 1000 Genomes Project 0.00040; 1000 Genomes Project 30x 0.00047.
gnomAD v4.1: 264 of 1,613,034 alleles (0.016%); highest among the groups gnomAD compares: African/African-American, 0.029%; no homozygotes.

Submissions (3):

Labcorp Genetics (formerly Invitae), Labcorp
Classification: Likely benign. Last evaluated: 2025-12-26. Review status: criteria provided, single submitter. Criteria: Invitae Variant Classification Sherloc (09022015). Collection method: clinical testing. Allele origin: germline.

Ambry Genetics
Classification: Likely benign for Inborn genetic diseases. Last evaluated: 2025-08-07. Review status: criteria provided, single submitter. Criteria: Ambry Variant Classification Scheme 2023. Collection method: clinical testing. Allele origin: germline.

PreventionGenetics, part of Exact Sciences
Classification: Likely benign for CACNA1E-related condition. Last evaluated: 2024-07-23. Review status: no assertion criteria provided. Collection method: clinical testing. Allele origin: germline. Not counted in ClinVar's aggregate classification.
Comment: This variant is classified as likely benign based on ACMG/AMP sequence variant interpretation guidelines (Richards et al. 2015 PMID: 25741868, with internal and published modifications).

NM_001205293.3(CACNA1E):c.3691G>A (p.Val1231Ile)

Gene: CACNA1E (calcium voltage-gated channel subunit alpha1 E; plus strand). Cytogenetic location: 1q25.3.
Variant type: single nucleotide variant.
Coding change: c.3691G>A on transcript NM_001205293.3 (MANE Select); coding-DNA position 3691, G replaced by A.
Protein change: p.Val1231Ile; replaces valine 1231 with isoleucine.
Molecular consequence: missense variant.
Genome position (GRCh38, 1-based): chr1:181,739,225, G>A. VCF-style: chr1-181739225-G-A. GRCh37 (hg19) VCF-style: chr1-181708361-G-A.
Other names: c.3691G>A, p.Val1231Ile (NM_000721.4); c.3634G>A, p.Val1212Ile (NM_001205294.2); c.3691G>A (NM_000721.3, NM_001205293.1); short protein forms V1212I, V1231I.
Identifiers: ClinVar variation 1654549 (VCV001654549.10), dbSNP rs376915340, ClinGen allele CA1275634.
Genomic context (GRCh38, chr1:181,739,225, plus strand): 5'-ATCCTGCAGGATGGGTCCTACTTCCGAGACTTGTGGAACATCCTGGACTTTGTGGTGGTC[G>A]TTGGCGCATTGGTGGCCTTTGCTCTGGCGTAAGTGACTCTTTTCATATTTGATTCCCTTC-3'
Protein context (NP_001192222.1, residues 1221-1241): LWNILDFVVV[Val1231Ile]GALVAFALAN